The following is an entry in ClinVar:

ClinVar aggregate classification (germline): not provided (0 of 4 stars; one submission).

Allele frequency attached by ClinVar (database versions not stated): gnomAD exomes 0.51362; ExAC 0.54431; gnomAD 0.55438 and 0.55647; TOPMed 0.55680; ESP Exome Variant Server 0.55803; 1000 Genomes Project 0.61482; 1000 Genomes Project 30x 0.61680.
gnomAD v4.1: 802,136 of 1,602,598 alleles (50%); highest among the groups gnomAD compares: African/African-American, 72%; 204,775 homozygotes.

Submission:

ITMI
No classification provided. Condition: AllHighlyPenetrant. Last evaluated: 2013-09-19. Review status: no classification provided. Collection method: reference population. Allele origin: germline.
Comment: Please see associated publication for description of ethnicities

Literature cited by the submitters: PubMed 24728327.

NM_003820.4(TNFRSF14):c.50A>G (p.Lys17Arg)

Genes: TNFRSF14 (TNF receptor superfamily member 14; plus strand), TNFRSF14-AS1 (TNFRSF14 antisense RNA 1; minus strand). Cytogenetic location: 1p36.32.
Variant type: single nucleotide variant.
Coding change: c.50A>G on transcript NM_003820.4 (MANE Select); coding-DNA position 50, A replaced by G.
Protein change: p.Lys17Arg; replaces lysine 17 with arginine.
Molecular consequence: missense variant.
Genome position (GRCh38, 1-based): chr1:2,556,714, A>G. VCF-style: chr1-2556714-A-G. GRCh37 (hg19) VCF-style: chr1-2488153-A-G.
Other names: c.50A>G, p.Lys17Arg (NM_001297605.2); short protein forms K17R.
Identifiers: ClinVar variation 135349 (VCV000135349.1), dbSNP rs4870, ClinGen allele CA162445.
Genomic context (GRCh38, chr1:2,556,714, plus strand): 5'-GAGCCTGAGGCATGGAGCCTCCTGGAGACTGGGGGCCTCCTCCCTGGAGATCCACCCCCA[A>G]AACCGACGTCTTGAGGCTGGTGAGCCCCCGAGCCTCCTCTCCGTCTGCTCGCAGATCCCA-3'
Protein context (NP_003811.2, residues 7-27): WGPPPWRSTP[Lys17Arg]TDVLRLVLYL